The following is an entry in ClinVar:

ClinVar aggregate classification (germline): Uncertain significance (1 of 4 stars; one submission).

Conditions:
Hereditary pancreatitis (PCTT). Also called: Hereditary chronic pancreatitis; PRSS1-Related Hereditary Pancreatitis. Identifiers: Orphanet 676, MedGen C0238339, MONDO:0008185, OMIM 167800.

Submission:

Ambry Genetics
Classification: Uncertain significance for Hereditary pancreatitis. Last evaluated: 2022-11-20. Review status: criteria provided, single submitter. Criteria: Ambry Variant Classification Scheme 2023. Collection method: clinical testing. Allele origin: germline.
Comment: The c.639+2T>A intronic variant results from a T to A substitution two nucleotides after coding exon 6 in the CTRC gene. Alterations that disrupt the canonical splice site are expected to result in aberrant splicing. In silico splice site analysis predicts that this alteration will weaken the native splice donor site and may result in the creation or strengthening of a novel splice donor site. The resulting transcript is predicted to be in-frame and is not expected to trigger nonsense-mediated mRNAdecay; however, direct evidence is unavailable. The exact functional effect of the altered amino acid sequence is unknown. This nucleotide position is highly conserved in available vertebrate species. Since supporting evidence is limited at this time, the clinical significance of this alteration remains unclear.

NM_007272.3(CTRC):c.639+2T>A

Gene: CTRC (chymotrypsin C; plus strand). Cytogenetic location: 1p36.21.
Variant type: single nucleotide variant.
Coding change: c.639+2T>A on transcript NM_007272.3 (MANE Select); the canonical splice donor site of the intron after coding-DNA position 639, T replaced by A.
Molecular consequence: splice donor variant.
Genome position (GRCh38, 1-based): chr1:15,444,753, T>A. VCF-style: chr1-15444753-T-A. GRCh37 (hg19) VCF-style: chr1-15771248-T-A.
Identifiers: ClinVar variation 2497351 (VCV002497351.2), dbSNP rs2526301561, ClinGen allele CA338567606.